The following is an entry in ClinVar:

NM_004320.6(ATP2A1):c.2772G>A (p.Arg924=)

Gene: ATP2A1 (ATPase sarcoplasmic/endoplasmic reticulum Ca2+ transporting 1; plus strand). Cytogenetic location: 16p11.2.
Variant type: single nucleotide variant.
Coding change: c.2772G>A on transcript NM_004320.6 (MANE Select); coding-DNA position 2772, G replaced by A.
Protein change: p.Arg924=; no amino-acid change (arginine 924 retained).
Molecular consequence: synonymous variant.
Genome position (GRCh38, 1-based): chr16:28,903,057, G>A. VCF-style: chr16-28903057-G-A. GRCh37 (hg19) VCF-style: chr16-28914378-G-A.
Other names: c.2397G>A, p.Arg799= (NM_001286075.2); c.2772G>A, p.Arg924= (NM_173201.5).
Identifiers: ClinVar variation 509651 (VCV000509651.6), dbSNP rs748003836, ClinGen allele CA7987402.
Genomic context (GRCh38, chr16:28,903,057, plus strand): 5'-ACTGTGCCTTCTCCCTCCCCTTCCCCTCTGCAGCCTGTCCGAGAACCAGTCCCTGCTGCG[G>A]ATGCCACCCTGGGTGAACATCTGGCTGCTGGGCTCCATCTGCCTCTCCATGTCCCTGCAC-3'
Protein context (NP_004311.1, residues 914-934): NSLSENQSLL[Arg924=]MPPWVNIWLL

ClinVar aggregate classification (germline): Likely benign. Review status: criteria provided, multiple submitters, no conflicts (2 of 4 stars). 2 submissions from 2 submitters: Likely benign (2). Last evaluated 2024-07-12.

Conditions:
Brody myopathy. Also called: BRODY DISEASE. Identifiers: Orphanet 53347, MedGen C1832918, MONDO:0010977, OMIM 601003.

Allele frequency attached by ClinVar (database versions not stated): gnomAD 0.00001; ExAC 0.00002; gnomAD exomes 0.00002 and 0.00003; TOPMed 0.00002.
gnomAD v4.1: 43 of 1,613,670 alleles (0.0027%); highest among the groups gnomAD compares: Non-Finnish European, 0.0034%; no homozygotes.

Submissions (2):

Labcorp Genetics (formerly Invitae), Labcorp
Classification: Likely benign for Brody myopathy. Last evaluated: 2024-07-12. Review status: criteria provided, single submitter. Criteria: Invitae Variant Classification Sherloc (09022015). Collection method: clinical testing. Allele origin: germline.

GeneDx
Classification: Likely benign. Last evaluated: 2017-05-18. Review status: criteria provided, single submitter. Criteria: GeneDx Variant Classification (06012015). Collection method: clinical testing. Allele origin: germline. Affected: yes.
Comment: This variant is considered likely benign or benign based on one or more of the following criteria: it is a conservative change, it occurs at a poorly conserved position in the protein, it is predicted to be benign by multiple in silico algorithms, and/or has population frequency not consistent with disease.